The following is an entry in ClinVar:

NM_004577.4(PSPH):c.-19-4G>A

Gene: PSPH (phosphoserine phosphatase; minus strand). Cytogenetic location: 7p11.2.
Variant type: single nucleotide variant.
Coding change: c.-19-4G>A on transcript NM_004577.4 (MANE Select); 4 bases into the intron before 19 bases upstream of the start codon, G replaced by A.
Molecular consequence: intron variant.
Genome position (GRCh38, 1-based): chr7:56,021,235, C>T on the plus strand (G>A on the coding strand, the complement: PSPH is on the minus strand). VCF-style: chr7-56021235-C-T. GRCh37 (hg19) VCF-style: chr7-56088928-C-T.
Other names: NC_000007.13:g.56088928C>T; c.-19-4G>A (NM_001370513.1, NM_001370514.1, NM_001370509.1 and 17 more transcripts).
Identifiers: ClinVar variation 909402 (VCV000909402.6), dbSNP rs200942360, ClinGen allele CA4268850.

ClinVar aggregate classification (germline): Benign. Review status: criteria provided, multiple submitters, no conflicts (2 of 4 stars). 2 submissions from 2 submitters: Benign (2). Last evaluated 2018-01-12.

Conditions:
Deficiency of phosphoserine phosphatase (PSPHD). Also called: Phosphoserine phosphatase deficiency; PSPH deficiency. Identifiers: Orphanet 79350, MedGen C1291463, MONDO:0013531, OMIM 614023.

Allele frequency attached by ClinVar (database versions not stated): ExAC 0.04114; gnomAD exomes 0.04440; 1000 Genomes Project 30x 0.32933.

Submissions (30):

Illumina Laboratory Services, Illumina
Classification: Benign for Deficiency of phosphoserine phosphatase. Last evaluated: 2018-01-12. Review status: criteria provided, single submitter. Criteria: ICSL Variant Classification Criteria 13 December 2019. Collection method: clinical testing. Allele origin: germline.
Comment: This variant was observed in the ICSL laboratory as part of a predisposition screen in an ostensibly healthy population. It had not been previously curated by ICSL or reported in the Human Gene Mutation Database (HGMD: prior to June 1st, 2018), and was therefore a candidate for classification through an automated scoring system. Utilizing variant allele frequency, disease prevalence and penetrance estimates, and inheritance mode, an automated score was calculated to assess if this variant is too frequent to cause the disease. Based on the score and internal cut-off values, a variant classified as benign is not then subjected to further curation. The score for this variant resulted in a classification of benign for this disease.

Breakthrough Genomics
Classification: Benign. Review status: criteria provided, single submitter. Criteria: ACMG Guidelines, 2015. Collection method: not provided. Allele origin: germline. Inheritance: Autosomal recessive inheritance. Affected: yes.

Dr. Peter K. Rogan Lab, Western University
No classification provided (evidence only). Condition: Malignant tumor of urinary bladder. Review status: no classification provided. Collection method: in vitro. Allele origin: not applicable. Functional consequence: retained intron. Not counted in ClinVar's aggregate classification.

Dr. Peter K. Rogan Lab, Western University
No classification provided (evidence only). Condition: Familial cancer of breast. Review status: no classification provided. Collection method: in vitro. Allele origin: not applicable. Functional consequence: retained intron. Not counted in ClinVar's aggregate classification.

Dr. Peter K. Rogan Lab, Western University
No classification provided (evidence only). Condition: Familial cancer of breast. Review status: no classification provided. Collection method: in vitro. Allele origin: not applicable. Functional consequence: retained intron. Not counted in ClinVar's aggregate classification.

Dr. Peter K. Rogan Lab, Western University
No classification provided (evidence only). Condition: Familial cancer of breast. Review status: no classification provided. Collection method: in vitro. Allele origin: not applicable. Functional consequence: retained intron. Not counted in ClinVar's aggregate classification.

Dr. Peter K. Rogan Lab, Western University
No classification provided (evidence only). Condition: Familial cancer of breast. Review status: no classification provided. Collection method: in vitro. Allele origin: not applicable. Functional consequence: retained intron. Not counted in ClinVar's aggregate classification.

Dr. Peter K. Rogan Lab, Western University
No classification provided (evidence only). Condition: Acute myeloid leukemia. Review status: no classification provided. Collection method: in vitro. Allele origin: not applicable. Functional consequence: retained intron. Not counted in ClinVar's aggregate classification.

Dr. Peter K. Rogan Lab, Western University
No classification provided (evidence only). Condition: Uterine corpus endometrial carcinoma. Review status: no classification provided. Collection method: in vitro. Allele origin: not applicable. Functional consequence: retained intron. Not counted in ClinVar's aggregate classification.

Dr. Peter K. Rogan Lab, Western University
No classification provided (evidence only). Condition: Uterine corpus endometrial carcinoma. Review status: no classification provided. Collection method: in vitro. Allele origin: not applicable. Functional consequence: retained intron. Not counted in ClinVar's aggregate classification.

Dr. Peter K. Rogan Lab, Western University
No classification provided (evidence only). Condition: Uterine corpus endometrial carcinoma. Review status: no classification provided. Collection method: in vitro. Allele origin: not applicable. Functional consequence: retained intron. Not counted in ClinVar's aggregate classification.

Dr. Peter K. Rogan Lab, Western University
No classification provided (evidence only). Condition: Cervical cancer. Review status: no classification provided. Collection method: in vitro. Allele origin: not applicable. Functional consequence: retained intron. Not counted in ClinVar's aggregate classification.

Dr. Peter K. Rogan Lab, Western University
No classification provided (evidence only). Condition: Cervical cancer. Review status: no classification provided. Collection method: in vitro. Allele origin: not applicable. Functional consequence: retained intron. Not counted in ClinVar's aggregate classification.

Dr. Peter K. Rogan Lab, Western University
No classification provided (evidence only). Condition: Sarcoma. Review status: no classification provided. Collection method: in vitro. Allele origin: not applicable. Functional consequence: retained intron. Not counted in ClinVar's aggregate classification.

Dr. Peter K. Rogan Lab, Western University
No classification provided (evidence only). Condition: Sarcoma. Review status: no classification provided. Collection method: in vitro. Allele origin: not applicable. Functional consequence: retained intron. Not counted in ClinVar's aggregate classification.

Dr. Peter K. Rogan Lab, Western University
No classification provided (evidence only). Condition: Sarcoma. Review status: no classification provided. Collection method: in vitro. Allele origin: not applicable. Functional consequence: retained intron. Not counted in ClinVar's aggregate classification.

Dr. Peter K. Rogan Lab, Western University
No classification provided (evidence only). Condition: Malignant lymphoma, large B-cell, diffuse. Review status: no classification provided. Collection method: in vitro. Allele origin: not applicable. Functional consequence: retained intron. Not counted in ClinVar's aggregate classification.

Dr. Peter K. Rogan Lab, Western University
No classification provided (evidence only). Condition: Malignant lymphoma, large B-cell, diffuse. Review status: no classification provided. Collection method: in vitro. Allele origin: not applicable. Functional consequence: retained intron. Not counted in ClinVar's aggregate classification.

Dr. Peter K. Rogan Lab, Western University
No classification provided (evidence only). Condition: Malignant lymphoma, large B-cell, diffuse. Review status: no classification provided. Collection method: in vitro. Allele origin: not applicable. Functional consequence: retained intron. Not counted in ClinVar's aggregate classification.

Dr. Peter K. Rogan Lab, Western University
No classification provided (evidence only). Condition: Malignant lymphoma, large B-cell, diffuse. Review status: no classification provided. Collection method: in vitro. Allele origin: not applicable. Functional consequence: retained intron. Not counted in ClinVar's aggregate classification.

Dr. Peter K. Rogan Lab, Western University
No classification provided (evidence only). Condition: Hepatocellular carcinoma. Review status: no classification provided. Collection method: in vitro. Allele origin: not applicable. Functional consequence: retained intron. Not counted in ClinVar's aggregate classification.

Dr. Peter K. Rogan Lab, Western University
No classification provided (evidence only). Condition: Thymoma. Review status: no classification provided. Collection method: in vitro. Allele origin: not applicable. Functional consequence: retained intron. Not counted in ClinVar's aggregate classification.

Dr. Peter K. Rogan Lab, Western University
No classification provided (evidence only). Condition: Cholangiocarcinoma. Review status: no classification provided. Collection method: in vitro. Allele origin: not applicable. Functional consequence: retained intron. Not counted in ClinVar's aggregate classification.

Dr. Peter K. Rogan Lab, Western University
No classification provided (evidence only). Condition: Ovarian serous cystadenocarcinoma. Review status: no classification provided. Collection method: in vitro. Allele origin: not applicable. Functional consequence: retained intron. Not counted in ClinVar's aggregate classification.

Dr. Peter K. Rogan Lab, Western University
No classification provided (evidence only). Condition: Malignant tumor of esophagus. Review status: no classification provided. Collection method: in vitro. Allele origin: not applicable. Functional consequence: retained intron. Not counted in ClinVar's aggregate classification.

Dr. Peter K. Rogan Lab, Western University
No classification provided (evidence only). Condition: Malignant tumor of esophagus. Review status: no classification provided. Collection method: in vitro. Allele origin: not applicable. Functional consequence: retained intron. Not counted in ClinVar's aggregate classification.

Dr. Peter K. Rogan Lab, Western University
No classification provided (evidence only). Condition: Malignant tumor of esophagus. Review status: no classification provided. Collection method: in vitro. Allele origin: not applicable. Functional consequence: retained intron. Not counted in ClinVar's aggregate classification.

Dr. Peter K. Rogan Lab, Western University
No classification provided (evidence only). Condition: Malignant tumor of esophagus. Review status: no classification provided. Collection method: in vitro. Allele origin: not applicable. Functional consequence: retained intron. Not counted in ClinVar's aggregate classification.

Dr. Peter K. Rogan Lab, Western University
No classification provided (evidence only). Condition: Malignant tumor of esophagus. Review status: no classification provided. Collection method: in vitro. Allele origin: not applicable. Functional consequence: retained intron. Not counted in ClinVar's aggregate classification.

Dr. Peter K. Rogan Lab, Western University
No classification provided (evidence only). Condition: Malignant tumor of esophagus. Review status: no classification provided. Collection method: in vitro. Allele origin: not applicable. Functional consequence: retained intron. Not counted in ClinVar's aggregate classification.